The following is an entry in ClinVar:

NM_001378183.1(PIEZO2):c.6986C>G (p.Ala2329Gly)

Gene: PIEZO2 (piezo type mechanosensitive ion channel component 2; minus strand). Cytogenetic location: 18p11.22.
Variant type: single nucleotide variant.
Coding change: c.6986C>G on transcript NM_001378183.1 (MANE Select); coding-DNA position 6986, C replaced by G.
Protein change: p.Ala2329Gly; replaces alanine 2329 with glycine.
Molecular consequence: missense variant.
Genome position (GRCh38, 1-based): chr18:10,696,278, G>C on the plus strand (C>G on the coding strand, the complement: PIEZO2 is on the minus strand). VCF-style: chr18-10696278-G-C. GRCh37 (hg19) VCF-style: chr18-10696276-G-C.
Other names: c.6722C>G, p.Ala2241Gly (NM_001410871.1); c.6647C>G, p.Ala2216Gly (NM_022068.4); short protein forms A2216G, A2241G, A2329G.
Identifiers: ClinVar variation 4627544 (VCV004627544.3).
Genomic context (GRCh38, chr18:10,696,278, plus strand): 5'-ATCACCAAAAACGGCCCCGGGACCTGGTCCTCTGACAGTGAAGAGGTGATGTCTGCAGCT[G>C]CTGAGTGTTTCTGGGGAAGAGACAACAAATTCATGCCCAAGAGAGGCAATTCATGGCAGG-3'
Protein context (NP_001365112.1, residues 2319-2339): FGFWAFGKHS[Ala2329Gly]AADITSSLSE

ClinVar aggregate classification (germline): Uncertain significance. Review status: criteria provided, multiple submitters, no conflicts (2 of 4 stars). 2 submissions from 2 submitters: Uncertain significance (2). Last evaluated 2026-01-15.

Conditions:
Inborn genetic diseases. Identifiers: MedGen C0950123, MeSH D030342.

gnomAD v4.1: 1 of 1,614,170 alleles (0.000062%); highest among the groups gnomAD compares: Non-Finnish European, 0.000085%; no homozygotes.

Submissions (2):

Dasa
Classification: Uncertain significance. Last evaluated: 2026-01-15. Review status: criteria provided, single submitter. Criteria: DASA Assertion Criteria. Collection method: clinical testing. Allele origin: germline.
Comment: NM_001378183.1(PIEZO2):c.6986C>G (p.Ala2329Gly) is a missense variant that results in the substitution of alanine with glycine. This variant is rare in population databases. The currently available literature and clinical evidence are not sufficient to establish a definitive association between this variant and the reported condition. Therefore, this variant is classified as a variant of uncertain significance.

Ambry Genetics
Classification: Uncertain significance for Inborn genetic diseases. Last evaluated: 2025-11-24. Review status: criteria provided, single submitter. Criteria: Ambry Variant Classification Scheme 2023. Collection method: clinical testing. Allele origin: germline.